The following is an entry in ClinVar:

ClinVar aggregate classification (germline): Uncertain significance. Review status: criteria provided, multiple submitters, no conflicts (2 of 4 stars). 3 submissions from 3 submitters: Uncertain significance (3). Last evaluated 2026-02-15.

Conditions:
Xeroderma pigmentosum, group F (XPF). Also called: ERCC4-Related Xeroderma Pigmentosum; XERODERMA PIGMENTOSUM VI; XP, GROUP F; XERODERMA PIGMENTOSUM, TYPE F; Xeroderma pigmentosum, type 6; XERODERMA PIGMENTOSUM, COMPLEMENTATION GROUP F. Identifiers: MedGen C0268140, MONDO:0010215, OMIM 278760.
Cockayne syndrome. Identifiers: Orphanet 191, MedGen C0009207, MONDO:0016006.
Fanconi anemia complementation group Q. Identifiers: Orphanet 84, MedGen C3808988, MONDO:0014108, OMIM 615272.

gnomAD v4.1: 5 of 1,608,828 alleles (0.00031%); no homozygotes.

Submissions (3):

GeneDx
Classification: Uncertain significance. Last evaluated: 2026-02-15. Review status: criteria provided, single submitter. Criteria: GeneDx Variant Classification Process June 2021. Collection method: clinical testing. Allele origin: germline.
Comment: Not observed at significant frequency in large population cohorts (gnomAD); In silico analysis suggests that this missense variant does not alter protein structure/function; Has not been previously published as pathogenic or benign to our knowledge

Labcorp Genetics (formerly Invitae), Labcorp
Classification: Uncertain significance for Fanconi anemia complementation group Q; Xeroderma pigmentosum, group F; Cockayne syndrome. Last evaluated: 2022-11-06. Review status: criteria provided, single submitter. Criteria: Invitae Variant Classification Sherloc (09022015). Collection method: clinical testing. Allele origin: germline.
Comment: In summary, the available evidence is currently insufficient to determine the role of this variant in disease. Therefore, it has been classified as a Variant of Uncertain Significance. Advanced modeling of protein sequence and biophysical properties (such as structural, functional, and spatial information, amino acid conservation, physicochemical variation, residue mobility, and thermodynamic stability) performed at Invitae indicates that this missense variant is not expected to disrupt ERCC4 protein function. ClinVar contains an entry for this variant (Variation ID: 317813). This variant has not been reported in the literature in individuals affected with ERCC4-related conditions. This variant is not present in population databases (gnomAD no frequency). This sequence change replaces lysine, which is basic and polar, with arginine, which is basic and polar, at codon 488 of the ERCC4 protein (p.Lys488Arg).

Illumina Laboratory Services, Illumina
Classification: Uncertain significance for Xeroderma pigmentosum, group F. Last evaluated: 2018-01-13. Review status: criteria provided, single submitter. Criteria: ICSL Variant Classification Criteria 13 December 2019. Collection method: clinical testing. Allele origin: germline.

NM_005236.3(ERCC4):c.1463A>G (p.Lys488Arg)

Gene: ERCC4 (ERCC excision repair 4, endonuclease catalytic subunit; plus strand). Cytogenetic location: 16p13.12.
Variant type: single nucleotide variant.
Coding change: c.1463A>G on transcript NM_005236.3 (MANE Select); coding-DNA position 1463, A replaced by G.
Protein change: p.Lys488Arg; replaces lysine 488 with arginine.
Molecular consequence: missense variant.
Genome position (GRCh38, 1-based): chr16:13,935,395, A>G. VCF-style: chr16-13935395-A-G. GRCh37 (hg19) VCF-style: chr16-14029252-A-G.
Other names: short protein forms K488R.
Identifiers: ClinVar variation 317813 (VCV000317813.9), dbSNP rs886051664, ClinGen allele CA10646961.